The following is an entry in ClinVar:

ClinVar aggregate classification (germline): Conflicting classifications of pathogenicity. Review status: criteria provided, conflicting classifications (1 of 4 stars). 3 submissions from 3 submitters: Likely pathogenic (1); Uncertain significance (2). Last evaluated 2024-10-23.

Conditions:
Retinal dystrophy. Also called: Inherited retinal dystrophy. Identifiers: Orphanet 71862, MedGen C0854723, MeSH D058499, MONDO:0019118, HP:0000556.
BBS2-related disorder. Also called: BBS2-related condition; BBS2-related disorders. Identifiers: MedGen CN239228.
Retinitis pigmentosa 74 (RP74). Identifiers: Orphanet 791, MedGen C4225281, MONDO:0014692, OMIM 616562.

Allele frequency attached by ClinVar (database versions not stated): gnomAD 0.00001; gnomAD exomes 0.00001; ExAC 0.00003.

Submissions (3):

3billion
Classification: Uncertain significance for Retinitis pigmentosa 74. Last evaluated: 2024-10-23. Review status: criteria provided, single submitter. Criteria: ACMG Guidelines, 2015. Collection method: clinical testing. Allele origin: germline. Affected: yes.
Comment: The variant is observed at an extremely low frequency in the gnomAD v4.1.0 dataset (total allele frequency: <0.001%). Predicted Consequence/Location: Start-lost: reinitiation of translation may occur at a downstream alternate start codon but still result in a loss or disruption of normal protein function as there have been pathogenic variants reported upstream of the alternate start codon. The variant has been reported as of uncertain significance (ClinVar ID: VCV003028365; PMID: 33691693; 3billion dataset). Therefore, this variant is classified as VUS according to the recommendation of ACMG/AMP guideline.

Dept Of Ophthalmology, Nagoya University
Classification: Uncertain significance for Retinal dystrophy. Last evaluated: 2023-10-01. Review status: criteria provided, single submitter. Criteria: Submitter's publication. Collection method: research. Allele origin: germline. Affected: yes.

Blueprint Genetics
Classification: Likely pathogenic for BBS2-related disorders. Last evaluated: 2021-11-16. Review status: criteria provided, single submitter. Criteria: ACMG Guidelines, 2015. Collection method: clinical testing. Allele origin: germline. Affected: yes. Observed: 2 variant alleles.

NM_031885.5(BBS2):c.1A>G (p.Met1Val)

Gene: BBS2 (Bardet-Biedl syndrome 2; minus strand). Cytogenetic location: 16q13.
Variant type: single nucleotide variant.
Coding change: c.1A>G on transcript NM_031885.5 (MANE Select); coding-DNA position 1, A replaced by G.
Protein change: p.Met1Val; changes the start codon (methionine 1).
Molecular consequence: missense variant, initiator codon variant. On other transcripts: non-coding transcript variant (5).
Genome position (GRCh38, 1-based): chr16:56,519,862, T>C on the plus strand (A>G on the coding strand, the complement: BBS2 is on the minus strand). VCF-style: chr16-56519862-T-C. GRCh37 (hg19) VCF-style: chr16-56553774-T-C.
Other names: c.1A>G, p.Met1Val (NM_001377456.1); short protein forms M1V.
Identifiers: ClinVar variation 3028365 (VCV003028365.3), dbSNP rs753338961, ClinGen allele CA8066155.
Genomic context (GRCh38, chr16:56,519,862, plus strand): 5'-TGGCCACCATTCGGGGGCTGATTTTGTGGCGCAGTTTCAGGGTGAACACAGGCAGCAGCA[T>C]GATGGCGGCGGCTTAGGGGAGGAGGGCTGGAAGCTGGAGACAAGCGCAGCGGAGCTGGCC-3'
Protein context (NP_114091.4, residues 1-11): [Met1Val]LLPVFTLKLR